The following is an entry in ClinVar:

NM_000127.3(EXT1):c.74G>A (p.Gly25Asp)

Gene: EXT1 (exostosin glycosyltransferase 1; minus strand). Cytogenetic location: 8q24.11.
Variant type: single nucleotide variant.
Coding change: c.74G>A on transcript NM_000127.3 (MANE Select); coding-DNA position 74, G replaced by A.
Protein change: p.Gly25Asp; replaces glycine 25 with aspartic acid.
Molecular consequence: missense variant.
Genome position (GRCh38, 1-based): chr8:118,110,973, C>T on the plus strand (G>A on the coding strand, the complement: EXT1 is on the minus strand). VCF-style: chr8-118110973-C-T. GRCh37 (hg19) VCF-style: chr8-119123212-C-T.
Other names: short protein forms G25D.
Identifiers: ClinVar variation 861012 (VCV000861012.9), dbSNP rs765050783, ClinGen allele CA4854431.

ClinVar aggregate classification (germline): Uncertain significance (1 of 4 stars; one submission).

Conditions:
Multiple congenital exostosis (EXT). Also called: Hereditary multiple exostoses; Hereditary multiple exostosis; MULTIPLE CARTILAGINOUS EXOSTOSES; Multiple exostoses; Multiple osteochondromas; Hereditary multiple osteochondromas. Identifiers: Orphanet 321, MedGen C0015306, MONDO:0005508, HP:0002762.

Allele frequency attached by ClinVar (database versions not stated): gnomAD exomes below 0.00001; ExAC 0.00001; gnomAD 0.00002; TOPMed 0.00002.
gnomAD v4.1: 33 of 1,610,980 alleles (0.002%); highest among the groups gnomAD compares: Non-Finnish European, 0.0028%; no homozygotes.

Submission:

Labcorp Genetics (formerly Invitae), Labcorp
Classification: Uncertain significance for Multiple congenital exostosis. Last evaluated: 2023-10-22. Review status: criteria provided, single submitter. Criteria: Invitae Variant Classification Sherloc (09022015). Collection method: clinical testing. Allele origin: germline.
Comment: This sequence change replaces glycine, which is neutral and non-polar, with aspartic acid, which is acidic and polar, at codon 25 of the EXT1 protein (p.Gly25Asp). This variant is present in population databases (rs765050783, gnomAD 0.0009%). This variant has not been reported in the literature in individuals affected with EXT1-related conditions. ClinVar contains an entry for this variant (Variation ID: 861012). Advanced modeling of protein sequence and biophysical properties (such as structural, functional, and spatial information, amino acid conservation, physicochemical variation, residue mobility, and thermodynamic stability) has been performed at Invitae for this missense variant, however the output from this modeling did not meet the statistical confidence thresholds required to predict the impact of this variant on EXT1 protein function. In summary, the available evidence is currently insufficient to determine the role of this variant in disease. Therefore, it has been classified as a Variant of Uncertain Significance.